The following is an entry in ClinVar:

ClinVar aggregate classification (germline): Benign/Likely benign. Review status: criteria provided, multiple submitters, no conflicts (2 of 4 stars). 5 submissions from 5 submitters: Benign (1); Likely benign (3). 1 of the submissions does not count toward it. Last evaluated 2026-03-31.

Conditions:
CDH1-related disorder. Also called: CDH1-related condition.
Hereditary cancer-predisposing syndrome. Also called: Hereditary neoplastic syndrome; Tumor predisposition; Hereditary Cancer Syndrome; Neoplastic Syndromes, Hereditary. Identifiers: Orphanet 140162, MedGen C0027672, MeSH D009386, MONDO:0015356.

Allele frequency attached by ClinVar (database versions not stated): gnomAD 0.00001; ExAC 0.00002; TOPMed 0.00002; gnomAD exomes 0.00003 and 0.00004.
gnomAD v4.1: 40 of 1,613,890 alleles (0.0025%); highest among the groups gnomAD compares: Non-Finnish European, 0.0028%; no homozygotes.

Submissions (5):

PreventionGenetics, part of Exact Sciences
Classification: Likely benign for CDH1-related condition. Last evaluated: 2026-03-31. Review status: criteria provided, single submitter. Criteria: ACMG Guidelines, 2015. Collection method: clinical testing. Allele origin: germline.
Comment: This variant is classified as likely benign based on ACMG/AMP sequence variant interpretation guidelines (Richards et al. 2015 PMID: 25741868, with internal and published modifications).

Sema4
Classification: Likely benign for Hereditary cancer-predisposing syndrome. Last evaluated: 2021-10-07. Review status: criteria provided, single submitter. Criteria: Sema4 Curation Guidelines. Collection method: curation. Allele origin: germline.

Ambry Genetics
Classification: Likely benign for Hereditary cancer-predisposing syndrome. Last evaluated: 2018-08-09. Review status: criteria provided, single submitter. Criteria: Ambry Variant Classification Scheme 2023. Collection method: clinical testing. Allele origin: germline.

Quest Diagnostics Nichols Institute San Juan Capistrano
Classification: Benign. Last evaluated: 2018-01-03. Review status: criteria provided, single submitter. Criteria: Quest Diagnostics criteria. Collection method: clinical testing. Allele origin: germline.

Biesecker Lab/Clinical Genomics Section, National Institutes of Health
Classification: Uncertain significance. Last evaluated: 2012-07-13. Review status: no assertion criteria provided. Collection method: research. Allele origin: germline. Affected: no. Observed: 1 variant allele. Study: ClinSeq. Not counted in ClinVar's aggregate classification.
ClinVar note: Converted during submission from variant of unknown significance to Uncertain significance.

Literature cited by the submitters: PubMed 33471991 (cited by Sema4).

NM_004360.5(CDH1):c.2077G>A (p.Gly693Ser)

Gene: CDH1 (cadherin 1; plus strand). Cytogenetic location: 16q22.1.
Variant type: single nucleotide variant.
Coding change: c.2077G>A on transcript NM_004360.5 (MANE Select); coding-DNA position 2077, G replaced by A.
Protein change: p.Gly693Ser; replaces glycine 693 with serine.
Molecular consequence: missense variant.
Genome position (GRCh38, 1-based): chr16:68,823,539, G>A. VCF-style: chr16-68823539-G-A. GRCh37 (hg19) VCF-style: chr16-68857442-G-A.
Other names: c.2077G>A (LRG_301t1); c.1894G>A, p.Gly632Ser (NM_001317184.2); c.529G>A, p.Gly177Ser (NM_001317185.2); c.112G>A, p.Gly38Ser (NM_001317186.2); short protein forms G693S, G177S, G38S, G632S.
Identifiers: ClinVar variation 41785 (VCV000041785.12), dbSNP rs386833398, ClinGen allele CA164042.